The following is an entry in ClinVar:

ClinVar aggregate classification (germline): Likely benign (1 of 4 stars; one submission).

Conditions:
OTOGL-related disorder. Also called: OTOGL-related condition.

gnomAD v4.1: 53 of 1,472,496 alleles (0.0036%); highest among the groups gnomAD compares: African/African-American, 0.014%; no homozygotes.

Submission:

PreventionGenetics, part of Exact Sciences
Classification: Likely benign for OTOGL-related condition. Last evaluated: 2026-03-19. Review status: criteria provided, single submitter. Criteria: ACMG Guidelines, 2015. Collection method: clinical testing. Allele origin: germline.
Comment: This variant is classified as likely benign based on ACMG/AMP sequence variant interpretation guidelines (Richards et al. 2015 PMID: 25741868, with internal and published modifications).

NM_001378609.3(OTOGL):c.96G>A (p.Ser32=)

Gene: OTOGL (otogelin like; plus strand). Cytogenetic location: 12q21.31.
Variant type: single nucleotide variant.
Coding change: c.96G>A on transcript NM_001378609.3 (MANE Select); coding-DNA position 96, G replaced by A.
Protein change: p.Ser32=; no amino-acid change (serine 32 retained).
Molecular consequence: synonymous variant.
Genome position (GRCh38, 1-based): chr12:80,210,863, G>A. VCF-style: chr12-80210863-G-A. GRCh37 (hg19) VCF-style: chr12-80604643-G-A.
Other names: c.96G>A, p.Ser32= (NM_001368062.3, NM_001378610.3, NM_173591.7).
Identifiers: ClinVar variation 4980450 (VCV004980450.1).